The following is an entry in ClinVar:

NM_016188.5(ACTL6B):c.852C>G (p.Tyr284Ter)

Gene: ACTL6B (actin like 6B; minus strand). Cytogenetic location: 7q22.1.
Variant type: single nucleotide variant.
Coding change: c.852C>G on transcript NM_016188.5 (MANE Select); coding-DNA position 852, C replaced by G.
Protein change: p.Tyr284Ter; replaces tyrosine 284 with a stop codon.
Molecular consequence: nonsense. On other transcripts: non-coding transcript variant (1).
Genome position (GRCh38, 1-based): chr7:100,647,055, G>C on the plus strand (C>G on the coding strand, the complement: ACTL6B is on the minus strand). VCF-style: chr7-100647055-G-C. GRCh37 (hg19) VCF-style: chr7-100244678-G-C.
Other names: short protein forms Y284*.
Identifiers: ClinVar variation 692141 (VCV000692141.3), dbSNP rs141640000, ClinGen allele CA368543169.

ClinVar aggregate classification (germline): Likely pathogenic. Review status: criteria provided, single submitter (1 of 4 stars). 2 submissions from 2 submitters: Likely pathogenic (1). 1 of the submissions does not count toward it. Last evaluated 2019-07-28.

Conditions:
ACTL6B-related recessive epilepsy.
Developmental and epileptic encephalopathy, 76. Also called: EPILEPTIC ENCEPHALOPATHY, EARLY INFANTILE, 76; DEVELOPMENTAL DELAY, EPILEPTIC ENCEPHALOPATHY, CEREBRAL ATROPHY, AND ABNORMAL MYELINATION. Identifiers: MedGen C5193113, MONDO:0032768, OMIM 618468.

Submissions (2):

SIB Swiss Institute of Bioinformatics
Classification: Likely pathogenic for Developmental and epileptic encephalopathy, 76. Last evaluated: 2019-07-28. Review status: criteria provided, single submitter. Criteria: ACMG Guidelines, 2015. Collection method: curation. Allele origin: unknown.
Comment: This variant is interpreted as a Likely pathogenic for Epileptic encephalopathy, early infantile, 76, autosomal recessive. The following ACMG Tag(s) were applied: PM2, PVS1-Strong, PM3.

CHU Sainte-Justine Research Center, University of Montreal
Classification: Likely pathogenic for ACTL6B-related recessive epilepsy. Last evaluated: 2019-03-01. Review status: no assertion criteria provided. Collection method: research. Allele origin: germline. Affected: yes. Not counted in ClinVar's aggregate classification.

Literature cited by the submitters: PubMed 31031012 (cited by SIB Swiss Institute of Bioinformatics).